The following is an entry in ClinVar:

ClinVar aggregate classification (germline): Likely benign. Review status: criteria provided, multiple submitters, no conflicts (2 of 4 stars). 2 submissions from 2 submitters: Likely benign (2). Last evaluated 2026-09-01.

Conditions:
Autosomal recessive limb-girdle muscular dystrophy type 2D (LGMDR3). Also called: ADHALINOPATHY, PRIMARY; MUSCULAR DYSTROPHY, LIMB-GIRDLE, AUTOSOMAL RECESSIVE 3; DUCHENNE-LIKE AUTOSOMAL RECESSIVE MUSCULAR DYSTROPHY, TYPE 2. Identifiers: Orphanet 62, MedGen C2936332, MONDO:0011968, OMIM 608099. Disease mechanism: Affects gamma-sarcoglycan and also disrupts the integrity of the entire sarcoglycan complex..

Allele frequency attached by ClinVar (database versions not stated): gnomAD exomes below 0.00001; 1000 Genomes Project 30x 0.00016.
gnomAD v4.1: 5 of 1,613,152 alleles (0.00031%); highest among the groups gnomAD compares: South Asian, 0.0022%; no homozygotes.

Submissions (2):

CeGaT Center for Human Genetics Tuebingen
Classification: Likely benign. Last evaluated: 2026-09-01. Review status: criteria provided, single submitter. Criteria: CeGaT Center For Human Genetics Tuebingen Variant Classification Criteria Version 2. Collection method: clinical testing. Allele origin: germline. Affected: yes. Observed: 1 variant allele.
Comment: SGCA: BP4, BP7

Labcorp Genetics (formerly Invitae), Labcorp
Classification: Likely benign for Autosomal recessive limb-girdle muscular dystrophy type 2D. Last evaluated: 2024-02-17. Review status: criteria provided, single submitter. Criteria: Invitae Variant Classification Sherloc (09022015). Collection method: clinical testing. Allele origin: germline.

NM_000023.4(SGCA):c.1122C>T (p.Arg374=)

Gene: SGCA (sarcoglycan alpha; plus strand). Cytogenetic location: 17q21.33.
Variant type: single nucleotide variant.
Coding change: c.1122C>T on transcript NM_000023.4 (MANE Select); coding-DNA position 1122, C replaced by T.
Protein change: p.Arg374=; no amino-acid change (arginine 374 retained).
Molecular consequence: synonymous variant. On other transcripts: non-coding transcript variant (1).
Genome position (GRCh38, 1-based): chr17:50,175,395, C>T. VCF-style: chr17-50175395-C-T. GRCh37 (hg19) VCF-style: chr17-48252756-C-T.
Other names: c.750C>T, p.Arg250= (NM_001135697.3).
Identifiers: ClinVar variation 1625971 (VCV001625971.9), dbSNP rs2144512151, ClinGen allele CA500834556.